The following is an entry in ClinVar:

ClinVar aggregate classification (germline): Uncertain significance (1 of 4 stars; one submission).

Conditions:
SEMA3B-related disorder. Also called: SEMA3B-related condition.

gnomAD v4.1: 6 of 1,589,172 alleles (0.00038%); highest among the groups gnomAD compares: African/African-American, 0.0013%; no homozygotes.

Submission:

PreventionGenetics, part of Exact Sciences
Classification: Uncertain significance for SEMA3B-related condition. Last evaluated: 2025-04-14. Review status: criteria provided, single submitter. Criteria: ACMG Guidelines, 2015. Collection method: clinical testing. Allele origin: germline.
Comment: The SEMA3B c.2173C>T variant is predicted to result in the amino acid substitution p.Pro725Ser. To our knowledge, this variant has not been reported in the literature. This variant is reported in 0.0022% of alleles in individuals of European (Non-Finnish) descent in gnomAD. At this time, the clinical significance of this variant is uncertain due to the absence of conclusive functional and genetic evidence.

NM_001290060.2(SEMA3B):c.2158C>T (p.Pro720Ser)

Gene: SEMA3B (semaphorin 3B; plus strand). Cytogenetic location: 3p21.31.
Variant type: single nucleotide variant.
Coding change: c.2158C>T on transcript NM_001290060.2 (MANE Select); coding-DNA position 2158, C replaced by T.
Protein change: p.Pro720Ser; replaces proline 720 with serine.
Molecular consequence: missense variant. On other transcripts: non-coding transcript variant (1).
Genome position (GRCh38, 1-based): chr3:50,276,614, C>T. VCF-style: chr3-50276614-C-T. GRCh37 (hg19) VCF-style: chr3-50314045-C-T.
Other names: c.2155C>T, p.Pro719Ser (NM_001005914.3); c.2173C>T, p.Pro725Ser (NM_001290061.1); c.1129C>T, p.Pro377Ser (NM_001290062.2, NM_001290063.2); c.2158C>T, p.Pro720Ser (NM_004636.4); short protein forms P377S, P719S, P720S, P725S.
Identifiers: ClinVar variation 3355318 (VCV003355318.2).
Genomic context (GRCh38, chr3:50,276,614, plus strand): 5'-GGAGGTGGCAGCGCGAACTCCCTGCGCATGTGCCGCCCGCAGCCTGCGCTGCAGTCACTG[C>T]CCCTGGAGTCGCGGAGAAAGGGCCGTAACCGGAGGACCCACGCCCCTGAGCCTCGCGCTG-3'
Protein context (NP_001276989.1, residues 710-730): CRPQPALQSL[Pro720Ser]LESRRKGRNR